The following is an entry in ClinVar:

NM_002471.4(MYH6):c.2057T>C (p.Met686Thr)

Gene: MYH6 (myosin heavy chain 6; minus strand). Cytogenetic location: 14q11.2.
Variant type: single nucleotide variant.
Coding change: c.2057T>C on transcript NM_002471.4 (MANE Select); coding-DNA position 2057, T replaced by C.
Protein change: p.Met686Thr; replaces methionine 686 with threonine.
Molecular consequence: missense variant.
Genome position (GRCh38, 1-based): chr14:23,397,074, A>G on the plus strand (T>C on the coding strand, the complement: MYH6 is on the minus strand). VCF-style: chr14-23397074-A-G. GRCh37 (hg19) VCF-style: chr14-23866283-A-G.
Other names: short protein forms M686T.
Identifiers: ClinVar variation 4114839 (VCV004114839.1).

ClinVar aggregate classification (germline): Uncertain significance (1 of 4 stars; one submission).

Conditions:
Cardiovascular phenotype. Identifiers: MedGen CN230736.

gnomAD v4.1: 4 of 1,614,198 alleles (0.00025%); highest among the groups gnomAD compares: African/African-American, 0.0013%; no homozygotes.

Submission:

Ambry Genetics
Classification: Uncertain significance for Cardiovascular phenotype. Last evaluated: 2025-07-28. Review status: criteria provided, single submitter. Criteria: Ambry Variant Classification Scheme 2023. Collection method: clinical testing. Allele origin: germline.
Comment: The p.M686T variant (also known as c.2057T>C), located in coding exon 16 of the MYH6 gene, results from a T to C substitution at nucleotide position 2057. The methionine at codon 686 is replaced by threonine, an amino acid with similar properties. This amino acid position is conserved. In addition, this alteration is predicted to be deleterious by in silico analysis. Based on the available evidence, the clinical significance of this variant remains unclear.